The following is an entry in ClinVar:

ClinVar aggregate classification (germline): Likely pathogenic (1 of 4 stars; one submission).

Conditions:
Dilated cardiomyopathy 1G (CMD1G). Identifiers: Orphanet 154, MedGen C1858763, MONDO:0011400, OMIM 604145.
Autosomal recessive limb-girdle muscular dystrophy type 2J (LGMDR10). Also called: MUSCULAR DYSTROPHY, LIMB-GIRDLE, AUTOSOMAL RECESSIVE 10; Limb-girdle muscular dystrophy, type 2J. Identifiers: Orphanet 140922, MedGen C1837342, MONDO:0012127, OMIM 608807.

Submission:

Labcorp Genetics (formerly Invitae), Labcorp
Classification: Likely pathogenic for Dilated cardiomyopathy 1G; Autosomal recessive limb-girdle muscular dystrophy type 2J. Last evaluated: 2025-12-28. Review status: criteria provided, single submitter. Criteria: Invitae Variant Classification Sherloc (09022015). Collection method: clinical testing. Allele origin: germline.
Comment: This sequence change creates a premature translational stop signal (p.Lys2928Glnfs*31) in the TTN gene. While this is not anticipated to result in nonsense mediated decay, it is expected to create a truncated TTN protein. This variant is not present in population databases (gnomAD no frequency). This variant has not been observed in the literature in individuals with autosomal recessive TTN-related conditions. This variant has been reported in individual(s) with autosomal dominant dilated cardiomyopathy (internal data); however, the role of the variant in this condition is currently unclear. ClinVar contains an entry for this variant (Variation ID: 2132521). This variant is located in the I band of TTN (PMID: 25589632). Truncating variants in this region have been reported in individuals affected with autosomal recessive centronuclear myopathy (PMID: 23975875, internal data). Truncating variants in this region have also been identified in individuals affected with autosomal dominant dilated cardiomyopathy and/or cardio-related conditions (PMID: 27869827, 32964742, internal data). In summary, the currently available evidence indicates that the variant is pathogenic, but additional data are needed to prove that conclusively. Therefore, this variant has been classified as Likely Pathogenic.

Literature cited by the submitters: PubMed 25589632; PubMed 23975875; PubMed 27869827; PubMed 32964742.

NM_001267550.2(TTN):c.8781dup (p.Lys2928fs)

Gene: TTN (titin; minus strand). Cytogenetic location: 2q31.2.
Variant type: Duplication.
Coding change: c.8781dup on transcript NM_001267550.2 (MANE Select); coding-DNA position 8781, one base duplicated (C; older notation c.8781dupC).
Protein change: p.Lys2928fs; shifts the reading frame from lysine 2928.
Molecular consequence: frameshift variant.
Genome position (GRCh38, 1-based): chr2:178,769,800, G duplicated on the plus strand (C on the coding strand, the reverse complement: TTN is on the minus strand). VCF-style (leftmost placement, unchanged base first): chr2-178769799-T-TG. GRCh37 (hg19) VCF-style: chr2-179634526-T-TG.
Other names: c.8781dup, p.Lys2928fs (NM_001256850.1, NM_133378.4, NM_133379.5); c.8643dup, p.Lys2882fs (NM_003319.4, NM_133432.3, NM_133437.4); short protein forms K2882fs, K2928fs.
Identifiers: ClinVar variation 2132521 (VCV002132521.4), dbSNP rs2532464085, ClinGen allele CA2580065198.